The following is an entry in ClinVar:

ClinVar aggregate classification (germline): Likely pathogenic (1 of 4 stars; one submission).

Conditions:
Citrullinemia type I (CTNL1). Also called: argininosuccinate synthetase deficiency; ASS DEFICIENCY. Identifiers: Orphanet 247525, MedGen C4721769, MONDO:0008988, OMIM 215700.

gnomAD v4.1: 3 of 1,612,938 alleles (0.00019%); highest among the groups gnomAD compares: African/African-American, 0.004%; no homozygotes.

Submission:

Myriad Genetics, Inc.
Classification: Likely pathogenic for Citrullinemia type I. Last evaluated: 2025-06-18. Review status: criteria provided, single submitter. Criteria: Myriad Autosomal Dominant, Autosomal Recessive and X-Linked Classification Criteria (2023). Collection method: clinical testing. Allele origin: unknown.
Comment: NM_000050.4(ASS1):c.689-2A>T is a variant in a canonical splice site classified as likely pathogenic in the context of citrullinemia type 1. c.689-2A>T has not been observed in cases with relevant disease. Relevant functional assessments of this variant are not available in the literature. c.689-2A>T has not been observed in referenced population frequency databases. In summary, NM_000050.4(ASS1):c.689-2A>T is a variant in a canonical splice site in a gene where loss of function is a known mechanism of disease and is predicted to disrupt protein function. Please note: this variant was assessed in the context of healthy population screening.

NM_054012.4(ASS1):c.689-2A>T

Gene: ASS1 (argininosuccinate synthase 1; plus strand). Cytogenetic location: 9q34.11.
Variant type: single nucleotide variant.
Coding change: c.689-2A>T on transcript NM_054012.4 (MANE Select); the canonical splice acceptor site of the intron before coding-DNA position 689, A replaced by T.
Molecular consequence: splice acceptor variant.
Genome position (GRCh38, 1-based): chr9:130,479,714, A>T. VCF-style: chr9-130479714-A-T. GRCh37 (hg19) VCF-style: chr9-133355101-A-T.
Other names: c.689-2A>T (NM_000050.4).
Identifiers: ClinVar variation 4081785 (VCV004081785.1).